The following is an entry in ClinVar:

NM_003119.4(SPG7):c.1573T>C (p.Cys525Arg)

Gene: SPG7 (SPG7 matrix AAA peptidase subunit, paraplegin; plus strand). Cytogenetic location: 16q24.3.
Variant type: single nucleotide variant.
Coding change: c.1573T>C on transcript NM_003119.4 (MANE Select); coding-DNA position 1573, T replaced by C.
Protein change: p.Cys525Arg; replaces cysteine 525 with arginine.
Molecular consequence: missense variant.
Genome position (GRCh38, 1-based): chr16:89,548,023, T>C. VCF-style: chr16-89548023-T-C. GRCh37 (hg19) VCF-style: chr16-89614431-T-C.
Other names: c.1573T>C, p.Cys525Arg (NM_001363850.1); c.1573T>C (NM_003119.3); short protein forms C525R.
Identifiers: ClinVar variation 1310013 (VCV001310013.3), dbSNP rs2058586638, ClinGen allele CA397427515.

ClinVar aggregate classification (germline): Uncertain significance. Review status: criteria provided, single submitter (1 of 4 stars). 2 submissions from 2 submitters: Uncertain significance (1). 1 of the submissions does not count toward it. Last evaluated 2019-11-07.

Conditions:
SPG7-related disorder. Also called: SPG7-related condition.

Allele frequency attached by ClinVar (database versions not stated): gnomAD 0.00001; TOPMed 0.00001.
gnomAD v4.1: 2 of 1,612,832 alleles (0.00012%); highest among the groups gnomAD compares: Non-Finnish European, 0.00017%; no homozygotes.

Submissions (2):

GeneDx
Classification: Uncertain significance. Last evaluated: 2019-11-07. Review status: criteria provided, single submitter. Criteria: GeneDx Variant Classification Process June 2021. Collection method: clinical testing. Allele origin: germline. Affected: yes.
Comment: Not observed in large population cohorts (Lek et al., 2016); In silico analysis, which includes protein predictors and evolutionary conservation, supports a deleterious effect; Has not been previously published as pathogenic or benign to our knowledge

PreventionGenetics, part of Exact Sciences
Classification: Uncertain significance for SPG7-related condition. Last evaluated: 2024-09-16. Review status: no assertion criteria provided. Collection method: clinical testing. Allele origin: germline. Not counted in ClinVar's aggregate classification.
Comment: The SPG7 c.1573T>C variant is predicted to result in the amino acid substitution p.Cys525Arg. To our knowledge, this variant has not been reported in the literature or in the large population database gnomAD, indicating this variant is rare. At this time, the clinical significance of this variant is uncertain due to the absence of conclusive functional and genetic evidence.